The following is an entry in ClinVar:

NM_003803.4(MYOM1):c.1843+10T>G

Gene: MYOM1 (myomesin 1; minus strand). Cytogenetic location: 18p11.31.
Variant type: single nucleotide variant.
Coding change: c.1843+10T>G on transcript NM_003803.4 (MANE Select); 10 bases into the intron after coding-DNA position 1843, T replaced by G.
Molecular consequence: intron variant.
Genome position (GRCh38, 1-based): chr18:3,151,684, A>C on the plus strand (T>G on the coding strand, the complement: MYOM1 is on the minus strand). VCF-style: chr18-3151684-A-C. GRCh37 (hg19) VCF-style: chr18-3151682-A-C.
Other names: c.1843+10T>G (NM_019856.2).
Identifiers: ClinVar variation 226805 (VCV000226805.17), dbSNP rs116743447, ClinGen allele CA8874842.

ClinVar aggregate classification (germline): Benign. Review status: criteria provided, multiple submitters, no conflicts (2 of 4 stars). 3 submissions from 3 submitters: Benign (3). Last evaluated 2026-09-02.

Conditions:
MYOM1-related disorder.
Hypertrophic cardiomyopathy. Also called: HYPERTROPHIC MYOCARDIOPATHY. Identifiers: Orphanet 217569, MedGen C0007194, MeSH D002312, MONDO:0005045, HP:0001639.

Allele frequency attached by ClinVar (database versions not stated): gnomAD exomes 0.00084; ExAC 0.00104; ESP Exome Variant Server 0.00268; gnomAD 0.00310 and 0.00332; TOPMed 0.00373; 1000 Genomes Project 0.00379; 1000 Genomes Project 30x 0.00390.
gnomAD v4.1: 956 of 1,605,540 alleles (0.06%); highest among the groups gnomAD compares: African/African-American, 1.1%; 5 homozygotes.

Submissions (3):

PreventionGenetics, part of Exact Sciences
Classification: Benign for MYOM1-related condition. Last evaluated: 2026-09-02. Review status: criteria provided, single submitter. Criteria: ACMG Guidelines, 2015. Collection method: clinical testing. Allele origin: germline.
Comment: This variant is classified as benign based on ACMG/AMP sequence variant interpretation guidelines (Richards et al. 2015 PMID: 25741868, with internal and published modifications).

Labcorp Genetics (formerly Invitae), Labcorp
Classification: Benign for Hypertrophic cardiomyopathy. Last evaluated: 2026-01-27. Review status: criteria provided, single submitter. Criteria: Invitae Variant Classification Sherloc (09022015). Collection method: clinical testing. Allele origin: germline.

Laboratory for Molecular Medicine, Mass General Brigham Personalized Medicine
Classification: Benign. Last evaluated: 2014-11-24. Review status: criteria provided, single submitter. Criteria: LMM Criteria. Collection method: clinical testing. Allele origin: germline. Observed: 1 variant allele.
Comment: 1843+10T>G in intron 12 of MYOM1: This variant is not expected to have clinical significance because it is not located within the conserved splice consensus seq uence. It has been identified in 0.9% (32/3714) of African American chromosomes from a broad population by the NHLBI Exome Sequencing Project (dbSNP rs116743447).